The following is an entry in ClinVar:

ClinVar aggregate classification (germline): Uncertain significance (1 of 4 stars; one submission).

Conditions:
Dyskeratosis congenita, autosomal dominant 1 (DKCA1). Also called: Dyskeratosis congenita Scoggins type. Identifiers: Orphanet 1775, MedGen C4551974, MONDO:0007485, OMIM 127550. Inheritance: Variable.

Submission:

Labcorp Genetics (formerly Invitae), Labcorp
Classification: Uncertain significance for Dyskeratosis congenita, autosomal dominant 1. Last evaluated: 2023-08-18. Review status: criteria provided, single submitter. Criteria: Invitae Variant Classification Sherloc (09022015). Collection method: clinical testing. Allele origin: germline.
Comment: This variant is located within the conserved regions 4 and 5 (CR4-CR5) domain of the TERC RNA component, which is required for telomerase activity (PMID: 15082312, 21844345). In summary, the available evidence is currently insufficient to determine the role of this variant in disease. Therefore, it has been classified as a Variant of Uncertain Significance. This variant has not been reported in the literature in individuals affected with TERC-related conditions. This variant is not present in population databases (gnomAD no frequency). This variant occurs in the TERC gene, which encodes an RNA molecule that does not result in a protein product.

Literature cited by the submitters: PubMed 15082312; PubMed 21844345.

NC_000003.12:g.169764780T>C

Genes: TERC (telomerase RNA component; minus strand), LOC110806306 (telomerase RNA component (TERC) promoter; plus strand). Cytogenetic location: 3q26.2.
Variant type: single nucleotide variant.
Genome position: GRCh38 VCF-style: chr3-169764780-T-C. GRCh37 (hg19) VCF-style: chr3-169482568-T-C.
Identifiers: ClinVar variation 2912261 (VCV002912261.3), dbSNP rs917597821, ClinGen allele CA87623997.